The following is an entry in ClinVar:

NM_024685.4(BBS10):c.2052del (p.Lys684fs)

Gene: BBS10 (Bardet-Biedl syndrome 10; minus strand). Cytogenetic location: 12q21.2.
Variant type: Deletion.
Coding change: c.2052del on transcript NM_024685.4 (MANE Select); coding-DNA position 2052, one base deleted (A; older notation c.2052delA).
Protein change: p.Lys684fs; shifts the reading frame from lysine 684.
Molecular consequence: frameshift variant.
Genome position (GRCh38, 1-based): chr12:76,345,933, T deleted on the plus strand (A on the coding strand, the reverse complement: BBS10 is on the minus strand); the first of 3 consecutive T bases (chr12:76,345,933-76,345,935); deleting any one gives the same sequence. VCF-style (leftmost placement, unchanged base first): chr12-76345932-AT-A. GRCh37 (hg19) VCF-style: chr12-76739712-AT-A.
Other names: short protein forms K684fs.
Identifiers: ClinVar variation 952132 (VCV000952132.10), dbSNP rs1951753726, ClinGen allele CA1139662786.

ClinVar aggregate classification (germline): Pathogenic/Likely pathogenic. Review status: criteria provided, multiple submitters, no conflicts (2 of 4 stars). 2 submissions from 2 submitters: Pathogenic (1); Likely pathogenic (1). Last evaluated 2023-03-09.

Conditions:
Bardet-Biedl syndrome (BBS). Identifiers: Orphanet 110, MedGen C0752166, MONDO:0015229.
Bardet-Biedl syndrome 10 (BBS10). Identifiers: Orphanet 110, MedGen C1859568, MONDO:0014438, OMIM 615987.

Submissions (2):

Baylor Genetics
Classification: Likely pathogenic for Bardet-Biedl syndrome 10. Last evaluated: 2023-03-09. Review status: criteria provided, single submitter. Criteria: ACMG Guidelines, 2015. Collection method: clinical testing. Allele origin: unknown.

Labcorp Genetics (formerly Invitae), Labcorp
Classification: Pathogenic for Bardet-Biedl syndrome. Last evaluated: 2019-05-30. Review status: criteria provided, single submitter. Criteria: Invitae Variant Classification Sherloc (09022015). Collection method: clinical testing. Allele origin: germline.
Comment: For these reasons, this variant has been classified as Pathogenic. This variant disrupts the C-terminus of the BBS10 protein. Other variant(s) that disrupt this region (p.Val707*) have been determined to be pathogenic (PMID: 25982971, 22773737, 27486776, 20472660). This suggests that variants that disrupt this region of the protein are likely to be causative of disease. This variant has not been reported in the literature in individuals with BBS10-related conditions. This variant is not present in population databases (ExAC no frequency). This sequence change results in a premature translational stop signal in the BBS10 gene (p.Lys684Asnfs*5). While this is not anticipated to result in nonsense mediated decay, it is expected to disrupt the last 40 amino acids of the BBS10 protein.

Literature cited by the submitters: PubMed 25982971 (cited by Labcorp Genetics (formerly Invitae), Labcorp); PubMed 22773737 (cited by Labcorp Genetics (formerly Invitae), Labcorp); PubMed 27486776 (cited by Labcorp Genetics (formerly Invitae), Labcorp); PubMed 20472660 (cited by Labcorp Genetics (formerly Invitae), Labcorp).